The following is an entry in ClinVar:

ClinVar aggregate classification (germline): Uncertain significance. Review status: criteria provided, multiple submitters, no conflicts (2 of 4 stars). 2 submissions from 2 submitters: Uncertain significance (2). Last evaluated 2025-08-06.

Conditions:
Inborn genetic diseases. Identifiers: MedGen C0950123, MeSH D030342.

Allele frequency attached by ClinVar (database versions not stated): gnomAD 0.00001; TOPMed 0.00001; gnomAD exomes 0.00002 and 0.00003; ExAC 0.00005.
gnomAD v4.1: 40 of 1,550,576 alleles (0.0026%); highest among the groups gnomAD compares: Non-Finnish European, 0.0035%; no homozygotes.

Submissions (2):

Ambry Genetics
Classification: Uncertain significance for Inborn genetic diseases. Last evaluated: 2025-08-06. Review status: criteria provided, single submitter. Criteria: Ambry Variant Classification Scheme 2023. Collection method: clinical testing. Allele origin: germline.

Labcorp Genetics (formerly Invitae), Labcorp
Classification: Uncertain significance. Last evaluated: 2023-10-03. Review status: criteria provided, single submitter. Criteria: Invitae Variant Classification Sherloc (09022015). Collection method: clinical testing. Allele origin: germline.
Comment: This sequence change replaces threonine, which is neutral and polar, with alanine, which is neutral and non-polar, at codon 17 of the TRIP4 protein (p.Thr17Ala). The frequency data for this variant in the population databases is considered unreliable, as metrics indicate poor data quality at this position in the gnomAD database. This variant has not been reported in the literature in individuals affected with TRIP4-related conditions. ClinVar contains an entry for this variant (Variation ID: 1520021). Advanced modeling of protein sequence and biophysical properties (such as structural, functional, and spatial information, amino acid conservation, physicochemical variation, residue mobility, and thermodynamic stability) performed at Invitae indicates that this missense variant is not expected to disrupt TRIP4 protein function. In summary, the available evidence is currently insufficient to determine the role of this variant in disease. Therefore, it has been classified as a Variant of Uncertain Significance.

NM_016213.5(TRIP4):c.49A>G (p.Thr17Ala)

Gene: TRIP4 (thyroid hormone receptor interactor 4; plus strand). Cytogenetic location: 15q22.31.
Variant type: single nucleotide variant.
Coding change: c.49A>G on transcript NM_016213.5 (MANE Select); coding-DNA position 49, A replaced by G.
Protein change: p.Thr17Ala; replaces threonine 17 with alanine.
Molecular consequence: missense variant. On other transcripts: 5 prime UTR variant (1), non-coding transcript variant (1).
Genome position (GRCh38, 1-based): chr15:64,387,912, A>G. VCF-style: chr15-64387912-A-G. GRCh37 (hg19) VCF-style: chr15-64680111-A-G.
Other names: c.-726A>G (NM_001321924.2); c.49A>G (NM_016213.4); short protein forms T17A.
Identifiers: ClinVar variation 1520021 (VCV001520021.7), dbSNP rs768479725, ClinGen allele CA7609274.